The following is an entry in ClinVar:

ClinVar aggregate classification (germline): Uncertain significance. Review status: criteria provided, single submitter (1 of 4 stars). 2 submissions from 2 submitters: Uncertain significance (1). 1 of the submissions does not count toward it. Last evaluated 2022-09-06.

Conditions:
Methylmalonic aciduria due to complete methylmalonyl-CoA mutase deficiency.

Allele frequency attached by ClinVar (database versions not stated): gnomAD exomes below 0.00001 and 0.00001; TOPMed below 0.00001; ExAC 0.00001; gnomAD 0.00001; ESP Exome Variant Server 0.00008.
gnomAD v4.1: 12 of 1,613,314 alleles (0.00074%); highest among the groups gnomAD compares: Non-Finnish European, 0.001%; no homozygotes.

Submissions (2):

Labcorp Genetics (formerly Invitae), Labcorp
Classification: Uncertain significance. Last evaluated: 2022-09-06. Review status: criteria provided, single submitter. Criteria: Invitae Variant Classification Sherloc (09022015). Collection method: clinical testing. Allele origin: germline.
Comment: This sequence change replaces glutamine, which is neutral and polar, with arginine, which is basic and polar, at codon 18 of the MUT protein (p.Gln18Arg). This variant is present in population databases (rs372601759, gnomAD 0.0009%). This variant has not been reported in the literature in individuals affected with MUT-related conditions. ClinVar contains an entry for this variant (Variation ID: 968180). Algorithms developed to predict the effect of missense changes on protein structure and function (SIFT, PolyPhen-2, Align-GVGD) all suggest that this variant is likely to be tolerated. Algorithms developed to predict the effect of sequence changes on RNA splicing suggest that this variant may disrupt the consensus splice site. In summary, the available evidence is currently insufficient to determine the role of this variant in disease. Therefore, it has been classified as a Variant of Uncertain Significance.

Natera, Inc.
Classification: Uncertain significance for Methylmalonic aciduria due to complete methylmalonyl-CoA mutase deficiency. Last evaluated: 2021-06-18. Review status: no assertion criteria provided. Collection method: clinical testing. Allele origin: germline. Not counted in ClinVar's aggregate classification.

NM_000255.4(MMUT):c.53A>G (p.Gln18Arg)

Gene: MMUT (methylmalonyl-CoA mutase; minus strand). Cytogenetic location: 6p12.3.
Variant type: single nucleotide variant.
Coding change: c.53A>G on transcript NM_000255.4 (MANE Select); coding-DNA position 53, A replaced by G.
Protein change: p.Gln18Arg; replaces glutamine 18 with arginine.
Molecular consequence: missense variant.
Genome position (GRCh38, 1-based): chr6:49,459,414, T>C on the plus strand (A>G on the coding strand, the complement: MMUT is on the minus strand). VCF-style: chr6-49459414-T-C. GRCh37 (hg19) VCF-style: chr6-49427127-T-C.
Other names: short protein forms Q18R.
Identifiers: ClinVar variation 968180 (VCV000968180.5), dbSNP rs372601759, ClinGen allele CA3847186.